The following is an entry in ClinVar:

ClinVar aggregate classification (germline): Uncertain significance. Review status: criteria provided, multiple submitters, no conflicts (2 of 4 stars). 3 submissions from 3 submitters: Uncertain significance (3). Last evaluated 2022-07-05.

Conditions:
Muscular dystrophy-dystroglycanopathy type B6 (MDDGB6). Also called: MUSCULAR DYSTROPHY, CONGENITAL, LARGE-RELATED; MUSCULAR DYSTROPHY, CONGENITAL, TYPE 1D; MUSCULAR DYSTROPHY-DYSTROGLYCANOPATHY (CONGENITAL WITH IMPAIRED INTELLECTUAL DEVELOPMENT), TYPE B, 6. Identifiers: MedGen C1837229, MONDO:0012138, OMIM 608840.

Allele frequency attached by ClinVar (database versions not stated): gnomAD exomes below 0.00001 and 0.00001; ExAC 0.00001; TOPMed 0.00001.
gnomAD v4.1: 12 of 1,614,108 alleles (0.00074%); highest among the groups gnomAD compares: South Asian, 0.0011%; no homozygotes.

Submissions (3):

Labcorp Genetics (formerly Invitae), Labcorp
Classification: Uncertain significance for Muscular dystrophy-dystroglycanopathy type B6. Last evaluated: 2022-07-05. Review status: criteria provided, single submitter. Criteria: Invitae Variant Classification Sherloc (09022015). Collection method: clinical testing. Allele origin: germline.
Comment: This sequence change replaces arginine, which is basic and polar, with histidine, which is basic and polar, at codon 601 of the LARGE1 protein (p.Arg601His). This variant is present in population databases (rs771376144, gnomAD 0.0009%). This variant has not been reported in the literature in individuals affected with LARGE1-related conditions. ClinVar contains an entry for this variant (Variation ID: 1306825). Algorithms developed to predict the effect of missense changes on protein structure and function are either unavailable or do not agree on the potential impact of this missense change (SIFT: "Deleterious"; PolyPhen-2: "Benign"; Align-GVGD: "Class C0"). In summary, the available evidence is currently insufficient to determine the role of this variant in disease. Therefore, it has been classified as a Variant of Uncertain Significance.

Revvity Omics, Revvity
Classification: Uncertain significance. Last evaluated: 2020-09-16. Review status: criteria provided, single submitter. Criteria: ACMG Guidelines, 2015. Collection method: clinical testing. Allele origin: germline.

GeneDx
Classification: Uncertain significance. Last evaluated: 2019-07-03. Review status: criteria provided, single submitter. Criteria: GeneDx Variant Classification Process June 2021. Collection method: clinical testing. Allele origin: germline. Affected: yes.
Comment: Not observed at a significant frequency in large population cohorts (Lek et al., 2016); In silico analysis, which includes protein predictors and evolutionary conservation, supports a deleterious effect; Has not been previously published as pathogenic or benign to our knowledge

NM_133642.5(LARGE1):c.1802G>A (p.Arg601His)

Gene: LARGE1 (LARGE xylosyl- and glucuronyltransferase 1; minus strand). Cytogenetic location: 22q12.3.
Variant type: single nucleotide variant.
Coding change: c.1802G>A on transcript NM_133642.5 (MANE Select); coding-DNA position 1802, G replaced by A.
Protein change: p.Arg601His; replaces arginine 601 with histidine.
Molecular consequence: missense variant. On other transcripts: intron variant (3).
Genome position (GRCh38, 1-based): chr22:33,283,277, C>T on the plus strand (G>A on the coding strand, the complement: LARGE1 is on the minus strand). VCF-style: chr22-33283277-C-T. GRCh37 (hg19) VCF-style: chr22-33679263-C-T.
Other names: c.1802G>A, p.Arg601His (NM_001362949.2, NM_001362951.2, NM_001362953.2 and 4 more transcripts); c.1646G>A, p.Arg549His (NM_001378629.1); c.1199G>A, p.Arg400His (NM_001378630.1); c.1731-6022G>A (NM_001378627.1, NM_001378628.1); c.972-6022G>A (NM_001378631.1); short protein forms R400H, R549H, R601H.
Identifiers: ClinVar variation 1306825 (VCV001306825.8), dbSNP rs771376144, ClinGen allele CA10202643.
Genomic context (GRCh38, chr22:33,283,277, plus strand): 5'-GTCCCCATGTCCAGCATTGACAGCAACTCCGCTTTTGACTTGGGGAAGGACAGCCGGTAG[C>T]GCAGTGTCTCGAACGCGGGGACAATCATTGCTTTCTTGGTGTTGGCAAGATCGAGCTGGA-3'
Protein context (NP_598397.1, residues 591-611): AMIVPAFETL[Arg601His]YRLSFPKSKA